The following is an entry in ClinVar:

NM_000631.5(NCF4):c.164T>C (p.Ile55Thr)

Genes: NCF4 (neutrophil cytosolic factor 4; plus strand), NCF4-AS1 (NCF4 antisense RNA 1; minus strand). Cytogenetic location: 22q12.3.
Variant type: single nucleotide variant.
Coding change: c.164T>C on transcript NM_000631.5 (MANE Select); coding-DNA position 164, T replaced by C.
Protein change: p.Ile55Thr; replaces isoleucine 55 with threonine.
Molecular consequence: missense variant.
Genome position (GRCh38, 1-based): chr22:36,864,965, T>C. VCF-style: chr22-36864965-T-C. GRCh37 (hg19) VCF-style: chr22-37261007-T-C.
Other names: c.164T>C, p.Ile55Thr (NM_013416.4); short protein forms I55T.
Identifiers: ClinVar variation 1422208 (VCV001422208.5), dbSNP rs932330052, ClinGen allele CA323985668.

ClinVar aggregate classification (germline): Uncertain significance (1 of 4 stars; one submission).

Conditions:
Granulomatous disease, chronic, autosomal recessive, cytochrome b-positive, type 3. Also called: GRANULOMATOUS DISEASE, CHRONIC, AUTOSOMAL RECESSIVE, 3; CGD, AUTOSOMAL RECESSIVE CYTOCHROME b-POSITIVE, TYPE III; GRANULOMATOUS DISEASE, CHRONIC, DUE TO NCF4 DEFICIENCY; Granulomatous disease, chronic, autosomal recessive, cytochrome b-positive, type III. Identifiers: Orphanet 379, MedGen C3151409, MONDO:0013507, OMIM 613960.

Allele frequency attached by ClinVar (database versions not stated): gnomAD exomes below 0.00001; TOPMed 0.00001.
gnomAD v4.1: 3 of 1,613,950 alleles (0.00019%); highest among the groups gnomAD compares: African/African-American, 0.0013%; no homozygotes.

Submission:

Labcorp Genetics (formerly Invitae), Labcorp
Classification: Uncertain significance for Granulomatous disease, chronic, autosomal recessive, cytochrome b-positive, type 3. Last evaluated: 2023-08-10. Review status: criteria provided, single submitter. Criteria: Invitae Variant Classification Sherloc (09022015). Collection method: clinical testing. Allele origin: germline.
Comment: In summary, the available evidence is currently insufficient to determine the role of this variant in disease. Therefore, it has been classified as a Variant of Uncertain Significance. An algorithm developed to predict the effect of missense changes on protein structure and function (PolyPhen-2) suggests that this variant is likely to be disruptive. ClinVar contains an entry for this variant (Variation ID: 1422208). This variant has not been reported in the literature in individuals affected with NCF4-related conditions. This variant is present in population databases (no rsID available, gnomAD 0.003%). This sequence change replaces isoleucine, which is neutral and non-polar, with threonine, which is neutral and polar, at codon 55 of the NCF4 protein (p.Ile55Thr).